The following is an entry in ClinVar:

ClinVar aggregate classification (germline): Uncertain significance (1 of 4 stars; one submission).

Conditions:
Genitopatellar syndrome (GTPTS). Also called: ABSENT PATELLAE, SCROTAL HYPOPLASIA, RENAL ANOMALIES, FACIAL DYSMORPHISM, AND MENTAL RETARDATION; Genitopatellar syndrome (GPS). Identifiers: Orphanet 85201, MedGen C1853566, MONDO:0011640, OMIM 606170.

Submission:

Labcorp Genetics (formerly Invitae), Labcorp
Classification: Uncertain significance for Genitopatellar syndrome. Last evaluated: 2025-03-04. Review status: criteria provided, single submitter. Criteria: Invitae Variant Classification Sherloc (09022015). Collection method: clinical testing. Allele origin: germline.
Comment: This sequence change replaces glycine, which is neutral and non-polar, with glutamic acid, which is acidic and polar, at codon 611 of the KAT6B protein (p.Gly611Glu). This variant is not present in population databases (gnomAD no frequency). This variant has not been reported in the literature in individuals affected with KAT6B-related conditions. An algorithm developed to predict the effect of missense changes on protein structure and function (PolyPhen-2) suggests that this variant is likely to be tolerated. In summary, the available evidence is currently insufficient to determine the role of this variant in disease. Therefore, it has been classified as a Variant of Uncertain Significance.

NM_012330.4(KAT6B):c.1832G>A (p.Gly611Glu)

Gene: KAT6B (lysine acetyltransferase 6B; plus strand). Cytogenetic location: 10q22.2.
Variant type: single nucleotide variant.
Coding change: c.1832G>A on transcript NM_012330.4 (MANE Select); coding-DNA position 1832, G replaced by A.
Protein change: p.Gly611Glu; replaces glycine 611 with glutamic acid.
Molecular consequence: missense variant. On other transcripts: intron variant (13).
Genome position (GRCh38, 1-based): chr10:74,976,169, G>A. VCF-style: chr10-74976169-G-A. GRCh37 (hg19) VCF-style: chr10-76735927-G-A.
Other names: c.929-1147G>A (NM_001370143.1, NM_001370144.1); c.1444+388G>A (NM_001256468.2, NM_001370138.1); c.1117+715G>A (NM_001256469.2, NM_001370132.1, NM_001370142.1 and 3 more transcripts); c.193-12850G>A (NM_001370135.1); c.1832G>A, p.Gly611Glu (NM_001370136.1, NM_001370137.1); c.846+6394G>A (NM_001370133.1); c.193-3055G>A (NM_001370134.1); short protein forms G611E.
Identifiers: ClinVar variation 4713920 (VCV004713920.1).